The following is an entry in ClinVar:

NM_002473.6(MYH9):c.2507C>T (p.Pro836Leu)

Gene: MYH9 (myosin heavy chain 9; minus strand). Cytogenetic location: 22q12.3.
Variant type: single nucleotide variant.
Coding change: c.2507C>T on transcript NM_002473.6 (MANE Select); coding-DNA position 2507, C replaced by T.
Protein change: p.Pro836Leu; replaces proline 836 with leucine.
Molecular consequence: missense variant.
Genome position (GRCh38, 1-based): chr22:36,301,658, G>A on the plus strand (C>T on the coding strand, the complement: MYH9 is on the minus strand). VCF-style: chr22-36301658-G-A. GRCh37 (hg19) VCF-style: chr22-36697704-G-A.
Other names: short protein forms P836L.
Identifiers: ClinVar variation 623109 (VCV000623109.16), dbSNP rs1603483077, ClinGen allele CA411394781.

ClinVar aggregate classification (germline): Conflicting classifications of pathogenicity. Review status: criteria provided, conflicting classifications (1 of 4 stars). 6 submissions from 6 submitters: Pathogenic (1); Likely pathogenic (3); Uncertain significance (2). Last evaluated 2026-04-30.

Conditions:
Macrothrombocytopenia and granulocyte inclusions with or without nephritis or sensorineural hearing loss (MATINS). Also called: MACROTHROMBOCYTOPENIA, NEPHRITIS, DEAFNESS, AND LEUKOCYTE INCLUSIONS; ALPORT SYNDROME WITH MACROTHROMBOCYTOPENIA; SEBASTIAN PLATELET SYNDROME; MACROTHROMBOCYTOPENIA WITH DISPERSED LEUKOCYTIC INCLUSIONS; MACROTHROMBOCYTOPENIA, NEPHRITIS, AND DEAFNESS; Fechtner syndrome. Identifiers: Orphanet 182050, MedGen C5200934, MONDO:0015912, OMIM 155100.
MYH9-related disorder. Identifiers: MedGen C1854520.
Autosomal dominant nonsyndromic hearing loss 17. Also called: Autosomal dominant nonsyndromic deafness 17; Deafness, autosomal dominant 17. Identifiers: Orphanet 90635, MedGen C1863659, MONDO:0011350, OMIM 603622.
Inborn genetic diseases. Identifiers: MedGen C0950123, MeSH D030342.

Allele frequency attached by ClinVar (database versions not stated): gnomAD exomes below 0.00001.
gnomAD v4.1: 2 of 1,613,506 alleles (0.00012%); highest among the groups gnomAD compares: Non-Finnish European, 0.00017%; no homozygotes.

Submissions (6):

Laboratory of Molecular, Cellular and Translation Genetics in Otolaryngology/ Lim32-hcfmusp, University of Sao Paulo School of Medicine Clinics Hospital
Classification: Likely pathogenic for Autosomal dominant nonsyndromic hearing loss 17. Last evaluated: 2026-04-30. Review status: criteria provided, single submitter. Criteria: ACMG Guidelines, 2015. Collection method: research. Allele origin: germline. Affected: yes.
Comment: NM_002473.6:c.2507C>T:p.(Pro836Leu). This variant has been classified as likely pathogenic. It is absent from population databases (PM2), and in silico prediction tools support a highly deleterious effect on protein function (PP3_strong). It has been previously reported in individuals with nonsyndromic hearing loss (PS4_supporting). However, the available evidence is insufficient to establish a definitive causal role for this variant in this individual as described in PMID: 42233699.

Ambry Genetics
Classification: Likely pathogenic for Inborn genetic diseases. Last evaluated: 2025-09-18. Review status: criteria provided, single submitter. Criteria: Ambry Variant Classification Scheme 2023. Collection method: clinical testing. Allele origin: germline.
Comment: The c.2507C>T (p.P836L) alteration is located in exon 21 (coding exon 20) of the MYH9 gene. This alteration results from a C to T substitution at nucleotide position 2507, causing the proline (P) at amino acid position 836 to be replaced by a leucine (L). This variant was not reported in population-based cohorts in the Genome Aggregation Database (gnomAD). This variant was reported in individual(s) with features consistent with MYH9-related disease (Downes, 2019; Bury, 2020). This amino acid position is highly conserved in available vertebrate species. This missense alteration is located in a region that has a low rate of benign missense variation (Lek, 2016; Firth, 2009). The p.P836L alteration is predicted to be deleterious by in silico analysis. Based on the available evidence, this alteration is classified as likely pathogenic.

Fulgent Genetics
Classification: Uncertain significance for Macrothrombocytopenia and granulocyte inclusions with or without nephritis or sensorineural hearing loss; Autosomal dominant nonsyndromic hearing loss 17. Last evaluated: 2024-03-26. Review status: criteria provided, single submitter. Criteria: ACMG Guidelines, 2015. Collection method: clinical testing. Allele origin: germline.

Labcorp Genetics (formerly Invitae), Labcorp
Classification: Uncertain significance. Last evaluated: 2023-04-23. Review status: criteria provided, single submitter. Criteria: Invitae Variant Classification Sherloc (09022015). Collection method: clinical testing. Allele origin: germline.
Comment: In summary, the available evidence is currently insufficient to determine the role of this variant in disease. Therefore, it has been classified as a Variant of Uncertain Significance. This variant is not present in population databases (gnomAD no frequency). This missense change has been observed in individuals with MYH9-related disorders (PMID: 24123792, 31562665). ClinVar contains an entry for this variant (Variation ID: 623109). Advanced modeling of protein sequence and biophysical properties (such as structural, functional, and spatial information, amino acid conservation, physicochemical variation, residue mobility, and thermodynamic stability) performed at Invitae indicates that this missense variant is expected to disrupt MYH9 protein function. This sequence change replaces proline, which is neutral and non-polar, with leucine, which is neutral and non-polar, at codon 836 of the MYH9 protein (p.Pro836Leu).

Mendelics
Classification: Pathogenic for Macrothrombocytopenia and granulocyte inclusions with or without nephritis or sensorineural hearing loss. Last evaluated: 2022-05-04. Review status: criteria provided, single submitter. Criteria: Mendelics Assertion Criteria 2019. Collection method: clinical testing. Allele origin: germline.

NIHR Bioresource Rare Diseases, University of Cambridge
Classification: Likely pathogenic for MYH9-related disorder. Last evaluated: 2018-12-12. Review status: criteria provided, single submitter. Criteria: ACMG Guidelines, 2015. Collection method: research. Allele origin: unknown. Inheritance: Autosomal dominant inheritance. Affected: yes. Observed: 2 heterozygotes.
Comment: PS4, PM2, PP4, PP3

Literature cited by the submitters: PubMed 31562665 (cited by 3 submitters); PubMed 28000701 (cited by Laboratory of Molecular, Cellular and Translation Genetics in Otolaryngology/ Lim32-hcfmusp, University of Sao Paulo School of Medicine Clinics Hospital); PubMed 42233699 (cited by Laboratory of Molecular, Cellular and Translation Genetics in Otolaryngology/ Lim32-hcfmusp, University of Sao Paulo School of Medicine Clinics Hospital); PubMed 31064749 (cited by Ambry Genetics); PubMed 24123792 (cited by Labcorp Genetics (formerly Invitae), Labcorp).